The following is an entry in ClinVar:

NM_017541.4(CRYGS):c.62A>G (p.Tyr21Cys)

Gene: CRYGS (crystallin gamma S; minus strand). Cytogenetic location: 3q27.3.
Variant type: single nucleotide variant.
Coding change: c.62A>G on transcript NM_017541.4 (MANE Select); coding-DNA position 62, A replaced by G.
Protein change: p.Tyr21Cys; replaces tyrosine 21 with cysteine.
Molecular consequence: missense variant.
Genome position (GRCh38, 1-based): chr3:186,539,557, T>C on the plus strand (A>G on the coding strand, the complement: CRYGS is on the minus strand). VCF-style: chr3-186539557-T-C. GRCh37 (hg19) VCF-style: chr3-186257346-T-C.
Other names: short protein forms Y21C.
Identifiers: ClinVar variation 1485465 (VCV001485465.6), dbSNP rs1035614113, ClinGen allele CA89625579.

ClinVar aggregate classification (germline): Uncertain significance (1 of 4 stars; one submission).

Conditions:
Cataract 20 multiple types (CTRCT20). Also called: Membranous cataract. Identifiers: Orphanet 91492, MedGen C0524524, MONDO:0007284, OMIM 116100, HP:0010922.

Allele frequency attached by ClinVar (database versions not stated): gnomAD 0.00001; gnomAD exomes 0.00001 and 0.00004; TOPMed 0.00002.

Submission:

Labcorp Genetics (formerly Invitae), Labcorp
Classification: Uncertain significance for Cataract 20 multiple types. Last evaluated: 2021-11-12. Review status: criteria provided, single submitter. Criteria: Invitae Variant Classification Sherloc (09022015). Collection method: clinical testing. Allele origin: germline.
Comment: Algorithms developed to predict the effect of missense changes on protein structure and function (SIFT, PolyPhen-2, Align-GVGD) all suggest that this variant is likely to be disruptive. In summary, the available evidence is currently insufficient to determine the role of this variant in disease. Therefore, it has been classified as a Variant of Uncertain Significance. Algorithms developed to predict the effect of sequence changes on RNA splicing suggest that this variant may create or strengthen a splice site. This variant has not been reported in the literature in individuals affected with CRYGS-related conditions. This variant is present in population databases (no rsID available, gnomAD 0.002%). This sequence change replaces tyrosine, which is neutral and polar, with cysteine, which is neutral and slightly polar, at codon 21 of the CRYGS protein (p.Tyr21Cys).